The following is an entry in ClinVar:

NM_003321.5(TUFM):c.817+13T>C

Gene: TUFM (Tu translation elongation factor, mitochondrial; minus strand). Cytogenetic location: 16p11.2.
Variant type: single nucleotide variant.
Coding change: c.817+13T>C on transcript NM_003321.5 (MANE Select); 13 bases into the intron after coding-DNA position 817, T replaced by C.
Molecular consequence: intron variant.
Genome position (GRCh38, 1-based): chr16:28,844,406, A>G on the plus strand (T>C on the coding strand, the complement: TUFM is on the minus strand). VCF-style: chr16-28844406-A-G. GRCh37 (hg19) VCF-style: chr16-28855727-A-G.
Other names: c.817+13T>C (NM_001365360.2).
Identifiers: ClinVar variation 318747 (VCV000318747.20), dbSNP rs4788099, ClinGen allele CA7985535.

ClinVar aggregate classification (germline): Benign. Review status: criteria provided, multiple submitters, no conflicts (2 of 4 stars). 6 submissions from 6 submitters: Benign (6). Last evaluated 2026-02-03.

Conditions:
Combined oxidative phosphorylation defect type 4. Identifiers: Orphanet 254925, MedGen C1857682, MONDO:0012534, OMIM 610678.

Allele frequency attached by ClinVar (database versions not stated): 1000 Genomes Project 0.26158; ESP Exome Variant Server 0.34462; ExAC 0.34544; gnomAD 0.34806 and 0.34276; gnomAD exomes 0.35154 and 0.37708; 1000 Genomes Project 30x 0.26780; TOPMed 0.33934.

Submissions (6):

Labcorp Genetics (formerly Invitae), Labcorp
Classification: Benign. Last evaluated: 2026-02-03. Review status: criteria provided, single submitter. Criteria: Invitae Variant Classification Sherloc (09022015). Collection method: clinical testing. Allele origin: germline.

Blueprint Genetics
Classification: Benign. Last evaluated: 2024-11-27. Review status: criteria provided, single submitter. Criteria: ACMG Guidelines, 2015. Collection method: clinical testing. Allele origin: germline.

Genome-Nilou Lab
Classification: Benign for Combined oxidative phosphorylation defect type 4. Last evaluated: 2021-12-05. Review status: criteria provided, single submitter. Criteria: ACMG Guidelines, 2015. Collection method: clinical testing. Allele origin: germline. Affected: no.

Illumina Laboratory Services, Illumina
Classification: Benign for Combined oxidative phosphorylation defect type 4. Last evaluated: 2018-01-12. Review status: criteria provided, single submitter. Criteria: ICSL Variant Classification Criteria 13 December 2019. Collection method: clinical testing. Allele origin: germline.
Comment: This variant was observed in the ICSL laboratory as part of a predisposition screen in an ostensibly healthy population. It had not been previously curated by ICSL or reported in the Human Gene Mutation Database (HGMD: prior to June 1st, 2018), and was therefore a candidate for classification through an automated scoring system. Utilizing variant allele frequency, disease prevalence and penetrance estimates, and inheritance mode, an automated score was calculated to assess if this variant is too frequent to cause the disease. Based on the score and internal cut-off values, a variant classified as benign is not then subjected to further curation. The score for this variant resulted in a classification of benign for this disease.

GeneDx
Classification: Benign. Last evaluated: 2015-03-03. Review status: criteria provided, single submitter. Criteria: GeneDx Variant Classification Process June 2021. Collection method: clinical testing. Allele origin: germline. Affected: yes.

Breakthrough Genomics
Classification: Benign. Review status: criteria provided, single submitter. Criteria: ACMG Guidelines, 2015. Collection method: not provided. Allele origin: germline. Inheritance: Autosomal recessive inheritance. Affected: yes.